The following is an entry in ClinVar:

NM_015100.4(POGZ):c.2709del (p.Pro903_Leu904insTer)

Gene: POGZ (pogo transposable element derived with ZNF domain; minus strand). Cytogenetic location: 1q21.3.
Variant type: Deletion.
Coding change: c.2709del on transcript NM_015100.4 (MANE Select); coding-DNA position 2709, one base deleted (C; older notation c.2709delC).
Protein change: p.Pro903_Leu904insTer.
Molecular consequence: frameshift variant. On other transcripts: nonsense (1).
Genome position (GRCh38, 1-based): chr1:151,406,326, G deleted on the plus strand (C on the coding strand, the reverse complement: POGZ is on the minus strand); the first of 3 consecutive G bases (chr1:151,406,326-151,406,328); deleting any one gives the same sequence. VCF-style (leftmost placement, unchanged base first): chr1-151406325-AG-A. GRCh37 (hg19) VCF-style: chr1-151378801-AG-A.
Other names: c.2709del (NM_015100.3); c.2682del, p.Pro894_Leu895insTer (NM_001194937.2); c.2523del, p.Pro841_Leu842insTer (NM_001194938.2); c.2728delC, p.Leu911Terfs (NM_001410860.1); c.2424del, p.Pro808_Leu809insTer (NM_145796.4); c.2550del, p.Pro850_Leu851insTer (NM_207171.2).
Identifiers: ClinVar variation 1705564 (VCV001705564.2), dbSNP rs2529211919, ClinGen allele CA2580061028.

ClinVar aggregate classification (germline): Pathogenic. Review status: criteria provided, multiple submitters, no conflicts (2 of 4 stars). 2 submissions from 2 submitters: Pathogenic (2). Last evaluated 2025-06-07.

Conditions:
Intellectual disability-microcephaly-strabismus-behavioral abnormalities syndrome. Also called: White-Sutton Syndrome. Identifiers: Orphanet 468678, MedGen C4225351, MONDO:0014606, OMIM 616364.

Submissions (2):

GeneDx
Classification: Pathogenic. Last evaluated: 2025-06-07. Review status: criteria provided, single submitter. Criteria: GeneDx Variant Classification Process June 2021. Collection method: clinical testing. Allele origin: germline. Affected: yes.
Comment: Nonsense variant predicted to result in protein truncation, as the last 507amino acid(s) are lost, and other loss-of-function variants have been reported downstream in HGMD; Not observed at significant frequency in large population cohorts (gnomAD); This variant is associated with the following publications: (PMID: 35982159, 33057194, 31782611)

3billion
Classification: Pathogenic for Intellectual disability-microcephaly-strabismus-behavioral abnormalities syndrome. Last evaluated: 2022-09-01. Review status: criteria provided, single submitter. Criteria: ACMG Guidelines, 2015. Collection method: clinical testing. Allele origin: germline. Affected: yes. Observed: 1 heterozygote.
Comment: The variant is not observed in the gnomAD v2.1.1 dataset. Frameshift variant is predicted to result in a loss or disruption of normal protein function through protein truncation. Multiple pathogenic variants are reported in the predicted truncated region. The variant has been previously reported as de novo in a similarly affected individual (PMID: 31782611). The variant has been reported to be associated with POGZ -related disorder (PMID: 31782611). Therefore, this variant is classified as Pathogenic according to the recommendation of ACMG/AMP guideline.

Literature cited by the submitters: PubMed 31782611 (cited by 3billion).